The following is an entry in ClinVar:

NM_017667.4(VPS50):c.2337A>G (p.Pro779=)

Gene: VPS50 (VPS50 subunit of EARP/GARPII complex; plus strand). Cytogenetic location: 7q21.3.
Variant type: single nucleotide variant.
Coding change: c.2337A>G on transcript NM_017667.4 (MANE Select); coding-DNA position 2337, A replaced by G.
Protein change: p.Pro779=; no amino-acid change (proline 779 retained).
Molecular consequence: synonymous variant.
Genome position (GRCh38, 1-based): chr7:93,349,907, A>G. VCF-style: chr7-93349907-A-G. GRCh37 (hg19) VCF-style: chr7-92979219-A-G.
Other names: c.2247A>G, p.Pro749= (NM_001257998.2).
Identifiers: ClinVar variation 4823419 (VCV004823419.4).

ClinVar aggregate classification (germline): Likely benign (1 of 4 stars; one submission).

gnomAD v4.1: 8 of 1,613,370 alleles (0.0005%); highest among the groups gnomAD compares: African/African-American, 0.0013%; no homozygotes.

Submission:

CeGaT Center for Human Genetics Tuebingen
Classification: Likely benign. Last evaluated: 2026-02-01. Review status: criteria provided, single submitter. Criteria: CeGaT Center For Human Genetics Tuebingen Variant Classification Criteria Version 2. Collection method: clinical testing. Allele origin: germline. Affected: yes. Observed: 1 variant allele.
Comment: VPS50: BP4, BP7